The following is an entry in ClinVar:

ClinVar aggregate classification (germline): Benign/Likely benign. Review status: criteria provided, multiple submitters, no conflicts (2 of 4 stars). 7 submissions from 7 submitters: Benign (6); Likely benign (1). Last evaluated 2026-01-21.

Conditions:
Immunodeficiency due to MASP-2 deficiency. Also called: MASP2 deficiency; LECTIN COMPLEMENT ACTIVATION PATHWAY, DEFECT IN, 2. Identifiers: Orphanet 331187, MedGen C3151085, MONDO:0013423, OMIM 613791.

Allele frequency attached by ClinVar (database versions not stated): 1000 Genomes Project 0.58127; TOPMed 0.61563; gnomAD 0.62832 and 0.63467; ESP Exome Variant Server 0.62979; ExAC 0.73590; gnomAD exomes 0.74494.

Submissions (7):

Women's Health and Genetics/Laboratory Corporation of America, LabCorp
Classification: Benign. Last evaluated: 2026-01-21. Review status: criteria provided, single submitter. Criteria: LabCorp Variant Classification Summary - May 2015. Collection method: clinical testing. Allele origin: germline.

Mayo Clinic Laboratories, Mayo Clinic
Classification: Benign. Last evaluated: 2025-09-15. Review status: criteria provided, single submitter. Criteria: ACMG Guidelines, 2015. Collection method: clinical testing. Allele origin: germline. Observed: 9 variant alleles.
Comment: BA1, BS2, BP4

Blueprint Genetics
Classification: Likely benign. Last evaluated: 2024-11-26. Review status: criteria provided, single submitter. Criteria: ACMG Guidelines, 2015. Collection method: clinical testing. Allele origin: germline.

GeneDx
Classification: Benign. Last evaluated: 2018-11-29. Review status: criteria provided, single submitter. Criteria: GeneDx Variant Classification Process June 2021. Collection method: clinical testing. Allele origin: germline. Affected: yes.
Comment: This variant is associated with the following publications: (PMID: 23861212, 21843573)

Illumina Laboratory Services, Illumina
Classification: Benign for Immunodeficiency due to MASP-2 deficiency. Last evaluated: 2018-03-06. Review status: criteria provided, single submitter. Criteria: ICSL Variant Classification Criteria 13 December 2019. Collection method: clinical testing. Allele origin: germline.
Comment: This variant was observed in the ICSL laboratory as part of a predisposition screen in an ostensibly healthy population. It had not been previously curated by ICSL or reported in the Human Gene Mutation Database (HGMD: prior to June 1st, 2018), and was therefore a candidate for classification through an automated scoring system. Utilizing variant allele frequency, disease prevalence and penetrance estimates, and inheritance mode, an automated score was calculated to assess if this variant is too frequent to cause the disease. Based on the score and internal cut-off values, a variant classified as benign is not then subjected to further curation. The score for this variant resulted in a classification of benign for this disease.

Laboratory for Molecular Medicine, Mass General Brigham Personalized Medicine
Classification: Benign. Last evaluated: 2016-03-29. Review status: criteria provided, single submitter. Criteria: LMM Criteria. Collection method: clinical testing. Allele origin: germline.
Comment: Variant identified in a genome or exome case(s) and assessed due to predicted null impact of the variant or pathogenic assertions in the literature or databases. Disclaimer: This variant has not undergone full assessment. The following are preliminary notes: Frequency

Breakthrough Genomics
Classification: Benign. Review status: criteria provided, single submitter. Criteria: ACMG Guidelines, 2015. Collection method: not provided. Allele origin: germline. Inheritance: Autosomal recessive inheritance. Affected: yes.

NM_006610.4(MASP2):c.1111G>T (p.Asp371Tyr)

Gene: MASP2 (MBL associated serine protease 2; minus strand). Cytogenetic location: 1p36.22.
Variant type: single nucleotide variant.
Coding change: c.1111G>T on transcript NM_006610.4 (MANE Select); coding-DNA position 1111, G replaced by T.
Protein change: p.Asp371Tyr; replaces aspartic acid 371 with tyrosine.
Molecular consequence: missense variant.
Genome position (GRCh38, 1-based): chr1:11,030,859, C>A on the plus strand (G>T on the coding strand, the complement: MASP2 is on the minus strand). VCF-style: chr1-11030859-C-A. GRCh37 (hg19) VCF-style: chr1-11090916-C-A.
Other names: short protein forms D371Y.
Identifiers: ClinVar variation 291786 (VCV000291786.13), dbSNP rs12711521, ClinGen allele CA586789.